The following is an entry in ClinVar:

ClinVar aggregate classification (germline): Uncertain significance. Review status: criteria provided, multiple submitters, no conflicts (2 of 4 stars). 2 submissions from 2 submitters: Uncertain significance (2). Last evaluated 2025-06-11.

Conditions:
Hypercoagulability syndrome due to glycosylphosphatidylinositol deficiency (GPIBD1). Also called: GLYCOSYLPHOSPHATIDYLINOSITOL BIOSYNTHESIS DEFECT 1. Identifiers: Orphanet 83639, MedGen C5201145, MONDO:0012465, OMIM 610293.

Allele frequency attached by ClinVar (database versions not stated): ExAC 0.00001; gnomAD exomes 0.00001 and 0.00002; TOPMed 0.00001; ESP Exome Variant Server 0.00008.

Submissions (2):

Ambry Genetics
Classification: Uncertain significance. Last evaluated: 2025-06-11. Review status: criteria provided, single submitter. Criteria: Ambry Variant Classification Scheme 2023. Collection method: clinical testing. Allele origin: germline.

Labcorp Genetics (formerly Invitae), Labcorp
Classification: Uncertain significance for Hypercoagulability syndrome due to glycosylphosphatidylinositol deficiency. Last evaluated: 2022-06-13. Review status: criteria provided, single submitter. Criteria: Invitae Variant Classification Sherloc (09022015). Collection method: clinical testing. Allele origin: germline.
Comment: In summary, the available evidence is currently insufficient to determine the role of this variant in disease. Therefore, it has been classified as a Variant of Uncertain Significance. Algorithms developed to predict the effect of missense changes on protein structure and function (SIFT, PolyPhen-2, Align-GVGD) all suggest that this variant is likely to be disruptive. This variant has not been reported in the literature in individuals affected with PIGM-related conditions. This variant is present in population databases (rs143961780, gnomAD 0.009%). This sequence change replaces proline, which is neutral and non-polar, with leucine, which is neutral and non-polar, at codon 135 of the PIGM protein (p.Pro135Leu).

NM_145167.3(PIGM):c.404C>T (p.Pro135Leu)

Gene: PIGM (phosphatidylinositol glycan anchor biosynthesis class M; minus strand). Cytogenetic location: 1q23.2.
Variant type: single nucleotide variant.
Coding change: c.404C>T on transcript NM_145167.3 (MANE Select); coding-DNA position 404, C replaced by T.
Protein change: p.Pro135Leu; replaces proline 135 with leucine.
Molecular consequence: missense variant.
Genome position (GRCh38, 1-based): chr1:160,031,336, G>A on the plus strand (C>T on the coding strand, the complement: PIGM is on the minus strand). VCF-style: chr1-160031336-G-A. GRCh37 (hg19) VCF-style: chr1-160001126-G-A.
Other names: c.404C>T (NM_145167.2); short protein forms P135L.
Identifiers: ClinVar variation 1438684 (VCV001438684.7), dbSNP rs143961780, ClinGen allele CA1193049.